The following is an entry in ClinVar:

NM_025132.4(WDR19):c.2683_2685del (p.Pro895del)

Gene: WDR19 (WD repeat domain 19; plus strand). Cytogenetic location: 4p14.
Variant type: Deletion.
Coding change: c.2683_2685del on transcript NM_025132.4 (MANE Select); coding-DNA positions 2683 to 2685, 3 bases deleted (CCT; older notation c.2683_2685delCCT).
Protein change: p.Pro895del; deletes proline 895.
Molecular consequence: inframe deletion.
Genome position (GRCh38, 1-based): chr4:39,245,406-39,245,408, CCT deleted; deleting any 3 consecutive bases within chr4:39,245,404-39,245,408 gives the same sequence; the c. name uses the placement nearest the transcript's 3' end. VCF-style (leftmost placement, unchanged base first): chr4-39245403-TCTC-T. GRCh37 (hg19) VCF-style: chr4-39247023-TCTC-T.
Other names: c.2203_2205del, p.Pro735del (NM_001317924.2); short protein forms P735del, P895del.
Identifiers: ClinVar variation 2142250 (VCV002142250.2), dbSNP rs2475276566, ClinGen allele CA2578068763.

ClinVar aggregate classification (germline): Uncertain significance (1 of 4 stars; one submission).

Conditions:
Asphyxiating thoracic dystrophy 5 (SRTD5). Also called: SHORT-RIB THORACIC DYSPLASIA 5 WITHOUT POLYDACTYLY; SHORT-RIB THORACIC DYSPLASIA 5 WITH OR WITHOUT POLYDACTYLY. Identifiers: Orphanet 474, MedGen C3280598, MONDO:0013717, OMIM 614376.
Senior-Loken syndrome 8 (SLSN8). Identifiers: Orphanet 3156, MedGen C4225376, MONDO:0014579, OMIM 616307.

Submission:

Labcorp Genetics (formerly Invitae), Labcorp
Classification: Uncertain significance for Senior-Loken syndrome 8; Asphyxiating thoracic dystrophy 5. Last evaluated: 2022-06-13. Review status: criteria provided, single submitter. Criteria: Invitae Variant Classification Sherloc (09022015). Collection method: clinical testing. Allele origin: germline.
Comment: In summary, the available evidence is currently insufficient to determine the role of this variant in disease. Therefore, it has been classified as a Variant of Uncertain Significance. Experimental studies and prediction algorithms are not available or were not evaluated, and the functional significance of this variant is currently unknown. This variant has not been reported in the literature in individuals affected with WDR19-related conditions. This variant is not present in population databases (gnomAD no frequency). This variant, c.2683_2685del, results in the deletion of 1 amino acid(s) of the WDR19 protein (p.Pro895del), but otherwise preserves the integrity of the reading frame.